The following is an entry in ClinVar:

NM_012179.4(FBXO7):c.1535G>A (p.Gly512Asp)

Gene: FBXO7 (F-box protein 7; plus strand). Cytogenetic location: 22q12.3.
Variant type: single nucleotide variant.
Coding change: c.1535G>A on transcript NM_012179.4 (MANE Select); coding-DNA position 1535, G replaced by A.
Protein change: p.Gly512Asp; replaces glycine 512 with aspartic acid.
Molecular consequence: missense variant.
Genome position (GRCh38, 1-based): chr22:32,498,496, G>A. VCF-style: chr22-32498496-G-A. GRCh37 (hg19) VCF-style: chr22-32894483-G-A.
Other names: c.1298G>A, p.Gly433Asp (NM_001033024.2); c.1193G>A, p.Gly398Asp (NM_001257990.2); short protein forms G433D, G398D, G512D.
Identifiers: ClinVar variation 706329 (VCV000706329.18), dbSNP rs142471722, ClinGen allele CA10201770.
Genomic context (GRCh38, chr22:32,498,496, plus strand): 5'-ACCCCATCTTGCCAGGGCGAGGCGGCCCCAATGACAGATTTCCCTTTAGACCCAGCAGGG[G>A]TCGGCCAACTGATGGCCGGCTGTCATTCATGTGATTGATTTGTAATTTCATTTCTGGAGC-3'
Protein context (NP_036311.3, residues 502-522): NDRFPFRPSR[Gly512Asp]RPTDGRLSFM

ClinVar aggregate classification (germline): Conflicting classifications of pathogenicity. Review status: criteria provided, conflicting classifications (1 of 4 stars). 5 submissions from 5 submitters: Uncertain significance (4); Likely benign (1). Last evaluated 2025-09-09.

Conditions:
Inborn genetic diseases. Identifiers: MedGen C0950123, MeSH D030342.
Parkinsonian-pyramidal syndrome. Also called: PALLIDOPYRAMIDAL SYNDROME; PARKINSON DISEASE 15, AUTOSOMAL RECESSIVE EARLY-ONSET; PARKINSON DISEASE 15, AUTOSOMAL RECESSIVE. Identifiers: Orphanet 171695, MedGen C1850100, MONDO:0009830, OMIM 260300.

Allele frequency attached by ClinVar (database versions not stated): gnomAD 0.00003 and 0.00004; gnomAD exomes 0.00013 and 0.00005; ExAC 0.00014; TOPMed 0.00007; ESP Exome Variant Server 0.00008.
gnomAD v4.1: 82 of 1,613,016 alleles (0.0051%); highest among the groups gnomAD compares: Non-Finnish European, 0.00042%; no homozygotes.

Submissions (5):

GeneDx
Classification: Uncertain significance. Last evaluated: 2025-09-09. Review status: criteria provided, single submitter. Criteria: GeneDx Variant Classification Process June 2021. Collection method: clinical testing. Allele origin: germline.
Comment: In silico analysis supports that this missense variant has a deleterious effect on protein structure/function; Has not been previously published as pathogenic or benign to our knowledge

Labcorp Genetics (formerly Invitae), Labcorp
Classification: Likely benign for Parkinsonian-pyramidal syndrome. Last evaluated: 2024-02-24. Review status: criteria provided, single submitter. Criteria: Invitae Variant Classification Sherloc (09022015). Collection method: clinical testing. Allele origin: germline.

Ambry Genetics
Classification: Uncertain significance for Inborn genetic diseases. Last evaluated: 2022-04-25. Review status: criteria provided, single submitter. Criteria: Ambry Variant Classification Scheme 2023. Collection method: clinical testing. Allele origin: germline.

Revvity Omics, Revvity
Classification: Uncertain significance for Parkinsonian-pyramidal syndrome. Last evaluated: 2019-05-07. Review status: criteria provided, single submitter. Criteria: ACMG Guidelines, 2015. Collection method: clinical testing. Allele origin: germline.

Illumina Laboratory Services, Illumina
Classification: Uncertain significance for Parkinsonian-pyramidal syndrome. Last evaluated: 2018-01-13. Review status: criteria provided, single submitter. Criteria: ICSL Variant Classification Criteria 13 December 2019. Collection method: clinical testing. Allele origin: germline.